The following is an entry in ClinVar:

ClinVar aggregate classification (germline): Uncertain significance. Review status: criteria provided, multiple submitters, no conflicts (2 of 4 stars). 2 submissions from 2 submitters: Uncertain significance (2). Last evaluated 2024-04-26.

Conditions:
Hereditary cancer-predisposing syndrome. Also called: Hereditary neoplastic syndrome; Tumor predisposition; Neoplastic Syndromes, Hereditary; Hereditary Cancer Syndrome. Identifiers: Orphanet 140162, MedGen C0027672, MeSH D009386, MONDO:0015356.
Familial adenomatous polyposis 1 (FAP1). Also called: POLYPOSIS, ADENOMATOUS INTESTINAL; FAMILIAL ADENOMATOUS POLYPOSIS 1, ATTENUATED. Identifiers: MedGen C2713442, MONDO:0021056, OMIM 175100. Disease mechanism: loss of function.

Submissions (2):

Ambry Genetics
Classification: Uncertain significance for Hereditary cancer-predisposing syndrome. Last evaluated: 2024-04-26. Review status: criteria provided, single submitter. Criteria: Ambry Variant Classification Scheme 2023. Collection method: clinical testing. Allele origin: germline.
Comment: The p.Q2040E variant (also known as c.6118C>G), located in coding exon 15 of the APC gene, results from a C to G substitution at nucleotide position 6118. The glutamine at codon 2040 is replaced by glutamic acid, an amino acid with highly similar properties. This amino acid position is conserved. In addition, in silico predictors for this gene do not accurately predict pathogenicity. Based on the available evidence, the clinical significance of this variant remains unclear.

Labcorp Genetics (formerly Invitae), Labcorp
Classification: Uncertain significance for Familial adenomatous polyposis 1. Last evaluated: 2023-09-28. Review status: criteria provided, single submitter. Criteria: Invitae Variant Classification Sherloc (09022015). Collection method: clinical testing. Allele origin: germline.
Comment: This sequence change replaces glutamine, which is neutral and polar, with glutamic acid, which is acidic and polar, at codon 2040 of the APC protein (p.Gln2040Glu). This variant is not present in population databases (gnomAD no frequency). This variant has not been reported in the literature in individuals affected with APC-related conditions. ClinVar contains an entry for this variant (Variation ID: 569662). Advanced modeling of protein sequence and biophysical properties (such as structural, functional, and spatial information, amino acid conservation, physicochemical variation, residue mobility, and thermodynamic stability) performed at Invitae indicates that this missense variant is not expected to disrupt APC protein function. In summary, the available evidence is currently insufficient to determine the role of this variant in disease. Therefore, it has been classified as a Variant of Uncertain Significance.

NM_000038.6(APC):c.6118C>G (p.Gln2040Glu)

Gene: APC (APC regulator of Wnt signaling pathway; plus strand). Cytogenetic location: 5q22.2.
Variant type: single nucleotide variant.
Coding change: c.6118C>G on transcript NM_000038.6 (MANE Select); coding-DNA position 6118, C replaced by G.
Protein change: p.Gln2040Glu; replaces glutamine 2040 with glutamic acid.
Molecular consequence: missense variant.
Genome position (GRCh38, 1-based): chr5:112,841,712, C>G. VCF-style: chr5-112841712-C-G. GRCh37 (hg19) VCF-style: chr5-112177409-C-G.
Other names: c.6118C>G, p.Gln2040Glu (NM_001127510.3, NM_001354895.2); c.6064C>G, p.Gln2022Glu (NM_001127511.3); c.6172C>G, p.Gln2058Glu (NM_001354896.2); c.6148C>G, p.Gln2050Glu (NM_001354897.2); c.6043C>G, p.Gln2015Glu (NM_001354898.2); c.6034C>G, p.Gln2012Glu (NM_001354899.2); c.5995C>G, p.Gln1999Glu (NM_001354900.2); c.5941C>G, p.Gln1981Glu (NM_001354901.2); and 5 more; short protein forms Q2022E, Q2040E, Q1757E, Q2058E, Q2012E, Q2015E, Q1914E, Q1949E.
Identifiers: ClinVar variation 569662 (VCV000569662.11), dbSNP rs1561605138, ClinGen allele CA16034723.